The following is an entry in ClinVar:

ClinVar aggregate classification (germline): Uncertain significance (1 of 4 stars; one submission).

Submission:

Ambry Genetics
Classification: Uncertain significance. Last evaluated: 2025-05-17. Review status: criteria provided, single submitter. Criteria: Ambry Variant Classification Scheme 2023. Collection method: clinical testing. Allele origin: germline.
Comment: The p.D302G variant (also known as c.905A>G), located in coding exon 1 of the TET2 gene, results from an A to G substitution at nucleotide position 905. The aspartic acid at codon 302 is replaced by glycine, an amino acid with similar properties. This amino acid position is conserved. In addition, this alteration is predicted to be tolerated by in silico analysis. Based on the available evidence, the clinical significance of this variant remains unclear.

NM_001127208.3(TET2):c.905A>G (p.Asp302Gly)

Genes: TET2 (tet methylcytosine dioxygenase 2; plus strand), TET2-AS1 (TET2 antisense RNA 1; minus strand). Cytogenetic location: 4q24.
Variant type: single nucleotide variant.
Coding change: c.905A>G on transcript NM_001127208.3 (MANE Select); coding-DNA position 905, A replaced by G.
Protein change: p.Asp302Gly; replaces aspartic acid 302 with glycine.
Molecular consequence: missense variant.
Genome position (GRCh38, 1-based): chr4:105,234,847, A>G. VCF-style: chr4-105234847-A-G. GRCh37 (hg19) VCF-style: chr4-106156004-A-G.
Other names: c.905A>G, p.Asp302Gly (NM_017628.4); short protein forms D302G.
Identifiers: ClinVar variation 3967639 (VCV003967639.1).